The following is an entry in ClinVar:

NM_016938.5(EFEMP2):c.338_339del (p.Gly112_Tyr113insTer)

Gene: EFEMP2 (EGF-like fibulin extracellular matrix protein 2; minus strand). Cytogenetic location: 11q13.1.
Variant type: Deletion.
Coding change: c.338_339del on transcript NM_016938.5 (MANE Select); coding-DNA positions 338 to 339, 2 bases deleted (AT; older notation c.338_339delAT).
Protein change: p.Gly112_Tyr113insTer.
Molecular consequence: nonsense. On other transcripts: non-coding transcript variant (1).
Genome position (GRCh38, 1-based): chr11:65,871,185-65,871,186, AT deleted on the plus strand (AT on the coding strand, the reverse complement: EFEMP2 is on the minus strand); deleting any 2 consecutive bases within chr11:65,871,185-65,871,187 gives the same sequence; the c. name uses the placement nearest the transcript's 3' end. VCF-style (leftmost placement, unchanged base first): chr11-65871184-CAT-C. GRCh37 (hg19) VCF-style: chr11-65638655-CAT-C.
Identifiers: ClinVar variation 2703407 (VCV002703407.3), dbSNP rs2495580444, ClinGen allele CA2697548682.

ClinVar aggregate classification (germline): Pathogenic (1 of 4 stars; one submission).

Conditions:
Cutis laxa, autosomal recessive, type 1B (ARCL1B). Also called: CUTIS LAXA, AUTOSOMAL RECESSIVE, TYPE IB; EFEMP2-Related Cutis Laxa. Identifiers: Orphanet 90349, MedGen C3280798, MONDO:0013754, OMIM 614437. Disease mechanism: loss of function.

Submission:

Labcorp Genetics (formerly Invitae), Labcorp
Classification: Pathogenic for Cutis laxa, autosomal recessive, type 1B. Last evaluated: 2023-12-15. Review status: criteria provided, single submitter. Criteria: Invitae Variant Classification Sherloc (09022015). Collection method: clinical testing. Allele origin: germline.
Comment: This sequence change creates a premature translational stop signal (p.Tyr113*) in the EFEMP2 gene. It is expected to result in an absent or disrupted protein product. Loss-of-function variants in EFEMP2 are known to be pathogenic (PMID: 17937443). This variant is not present in population databases (gnomAD no frequency). This variant has not been reported in the literature in individuals affected with EFEMP2-related conditions. For these reasons, this variant has been classified as Pathogenic.

Literature cited by the submitters: PubMed 17937443.